The following is an entry in ClinVar:

ClinVar aggregate classification (germline): Uncertain significance (1 of 4 stars; one submission).

Conditions:
Angelman syndrome-like. Identifiers: MedGen CN128785.
Developmental and epileptic encephalopathy, 2 (DEE2). Also called: INFANTILE SPASM SYNDROME, X-LINKED 2; CDKL5 deficiency disorder. Identifiers: Orphanet 1934, Orphanet 3451, Orphanet 505652, MedGen C4750718, MONDO:0010396, OMIM 300672.

Submission:

Labcorp Genetics (formerly Invitae), Labcorp
Classification: Uncertain significance for Developmental and epileptic encephalopathy, 2; Angelman syndrome-like. Last evaluated: 2022-04-27. Review status: criteria provided, single submitter. Criteria: Invitae Variant Classification Sherloc (09022015). Collection method: clinical testing. Allele origin: unknown.
Comment: This variant results in a copy number gain of the genomic region encompassing exon(s) 7 of the CDKL5 gene. While the exact position of this variant cannot be determined from the data, sub-genic copy number gains are generally in tandem (PMID: 25640679). This variant is predicted to be in-frame, and likely preserves the integrity of the reading frame. This variant has not been reported in the literature in individuals affected with CDKL5-related conditions. Experimental studies and prediction algorithms are not available or were not evaluated, and the functional significance of this variant is currently unknown. In summary, the available evidence is currently insufficient to determine the role of this variant in disease. Therefore, it has been classified as a Variant of Uncertain Significance.

Literature cited by the submitters: PubMed 25640679.

NC_000023.10:g.(?_18599991)_(18600090_?)dup

Gene: CDKL5 (cyclin dependent kinase like 5; plus strand). Cytogenetic location: Xp22.13.
Variant type: Duplication.
Identifiers: ClinVar variation 3244334 (VCV003244334.1).